The following is an entry in ClinVar:

ClinVar aggregate classification (germline): Benign/Likely benign. Review status: criteria provided, multiple submitters, no conflicts (2 of 4 stars). 9 submissions from 9 submitters: Benign (2); Likely benign (5). 2 of the submissions do not count toward it. Last evaluated 2026-03-01.

Conditions:
Saldino-Mainzer syndrome (SRTD9). Also called: Renal dysplasia, retinal pigmentary dystrophy, cerebellar ataxia and skeletal dysplasia; SHORT-RIB THORACIC DYSPLASIA 9 WITHOUT POLYDACTYLY; short-rib thoracic dysplasia 9 with or without polydactyly; CONORENAL SYNDROME. Identifiers: Orphanet 140969, MedGen C1849437, MONDO:0009964, OMIM 266920.

Allele frequency attached by ClinVar (database versions not stated): 1000 Genomes Project 30x 0.00172; TOPMed 0.00172; ESP Exome Variant Server 0.00177; 1000 Genomes Project 0.00200; gnomAD 0.00297 and 0.00305.
gnomAD v4.1: 4,757 of 1,612,668 alleles (0.29%); highest among the groups gnomAD compares: Middle Eastern, 2.4%; 23 homozygotes.

Submissions (9):

CeGaT Center for Human Genetics Tuebingen
Classification: Likely benign. Last evaluated: 2026-03-01. Review status: criteria provided, single submitter. Criteria: CeGaT Center For Human Genetics Tuebingen Variant Classification Criteria Version 2. Collection method: clinical testing. Allele origin: germline. Affected: yes. Observed: 11 variant alleles.
Comment: IFT140: BP4, BP7, BS2

Blueprint Genetics
Classification: Likely benign. Last evaluated: 2024-11-21. Review status: criteria provided, single submitter. Criteria: ACMG Guidelines, 2015. Collection method: clinical testing. Allele origin: germline.

Labcorp Genetics (formerly Invitae), Labcorp
Classification: Benign for Renal dysplasia, retinal pigmentary dystrophy, cerebellar ataxia and skeletal dysplasia. Last evaluated: 2019-12-31. Review status: criteria provided, single submitter. Criteria: Invitae Variant Classification Sherloc (09022015). Collection method: clinical testing. Allele origin: germline.

Illumina Laboratory Services, Illumina
Classification: Likely benign for Saldino-Mainzer syndrome. Last evaluated: 2018-01-13. Review status: criteria provided, single submitter. Criteria: ICSL Variant Classification Criteria 13 December 2019. Collection method: clinical testing. Allele origin: germline.
Comment: This variant was observed in the ICSL laboratory as part of a predisposition screen in an ostensibly healthy population. It had not been previously curated by ICSL or reported in the Human Gene Mutation Database (HGMD: prior to June 1st, 2018), and was therefore a candidate for classification through an automated scoring system. Utilizing variant allele frequency, disease prevalence and penetrance estimates, and inheritance mode, an automated score was calculated to assess if this variant is too frequent to cause the disease. Based on the score and internal cut-off values, a variant classified as likely benign is not then subjected to further curation. The score for this variant resulted in a classification of likely benign for this disease.

Clinical Genetics DNA and cytogenetics Diagnostics Lab, Erasmus MC, Erasmus Medical Center
Classification: Likely benign for Saldino-Mainzer syndrome. Last evaluated: 2017-06-28. Review status: criteria provided, single submitter. Criteria: ACGS Guidelines, 2013. Collection method: clinical testing. Allele origin: germline. Affected: yes. Study: VKGL Data-share Consensus.

Eurofins Ntd Llc (ga)
Classification: Benign. Last evaluated: 2016-09-08. Review status: criteria provided, single submitter. Criteria: EGL Classification Definitions 2015. Collection method: clinical testing. Allele origin: germline. Observed: 4 variant alleles, 4 heterozygotes.

Breakthrough Genomics
Classification: Likely benign. Review status: criteria provided, single submitter. Criteria: ACMG Guidelines, 2015. Collection method: not provided. Allele origin: germline. Inheritance: Autosomal recessive inheritance. Affected: yes.

Clinical Genetics, Academic Medical Center
Classification: Benign. Review status: no assertion criteria provided. Collection method: clinical testing. Allele origin: germline. Affected: yes. Study: VKGL Data-share Consensus. Not counted in ClinVar's aggregate classification.

Genome Diagnostics Laboratory, University Medical Center Utrecht
Classification: Likely benign. Review status: no assertion criteria provided. Collection method: clinical testing. Allele origin: germline. Affected: yes. Study: VKGL Data-share Consensus. Not counted in ClinVar's aggregate classification.

NM_014714.4(IFT140):c.1542C>A (p.Leu514=)

Gene: IFT140 (intraflagellar transport 140; minus strand). Cytogenetic location: 16p13.3.
Variant type: single nucleotide variant.
Coding change: c.1542C>A on transcript NM_014714.4 (MANE Select); coding-DNA position 1542, C replaced by A.
Protein change: p.Leu514=; no amino-acid change (leucine 514 retained).
Molecular consequence: synonymous variant.
Genome position (GRCh38, 1-based): chr16:1,571,517, G>T on the plus strand (C>A on the coding strand, the complement: IFT140 is on the minus strand). VCF-style: chr16-1571517-G-T. GRCh37 (hg19) VCF-style: chr16-1621518-G-T.
Identifiers: ClinVar variation 288048 (VCV000288048.46), dbSNP rs141542834, ClinGen allele CA7814225.